The following is an entry in ClinVar:

ClinVar aggregate classification (germline): Benign/Likely benign. Review status: criteria provided, multiple submitters, no conflicts (2 of 4 stars). 2 submissions from 2 submitters: Benign (1); Likely benign (1). Last evaluated 2022-08-01.

Allele frequency attached by ClinVar (database versions not stated): gnomAD 0.00001 and 0.00035; TOPMed 0.00009; gnomAD exomes 0.00061 and 0.00168; 1000 Genomes Project 30x 0.00265; 1000 Genomes Project 0.00280; ExAC 0.00491.
gnomAD v4.1: 884 of 1,527,386 alleles (0.058%); highest among the groups gnomAD compares: South Asian, 0.97%; 13 homozygotes.

Submissions (2):

CeGaT Center for Human Genetics Tuebingen
Classification: Benign. Last evaluated: 2022-08-01. Review status: criteria provided, single submitter. Criteria: CeGaT Center For Human Genetics Tuebingen Variant Classification Criteria Version 2. Collection method: clinical testing. Allele origin: germline. Affected: yes. Observed: 1 variant allele.
Comment: SPTLC2: BS1, BS2

GeneDx
Classification: Likely benign. Last evaluated: 2016-08-05. Review status: criteria provided, single submitter. Criteria: GeneDx Variant Classification (06012015). Collection method: clinical testing. Allele origin: germline. Affected: yes.
Comment: This variant is considered likely benign or benign based on one or more of the following criteria: it is a conservative change, it occurs at a poorly conserved position in the protein, it is predicted to be benign by multiple in silico algorithms, and/or has population frequency not consistent with disease.

NM_004863.4(SPTLC2):c.-38C>T

Gene: SPTLC2 (serine palmitoyltransferase long chain base subunit 2; minus strand). Cytogenetic location: 14q24.3.
Variant type: single nucleotide variant.
Coding change: c.-38C>T on transcript NM_004863.4 (MANE Select); 38 bases upstream of the start codon, C replaced by T.
Molecular consequence: 5 prime UTR variant.
Genome position (GRCh38, 1-based): chr14:77,616,617, G>A on the plus strand (C>T on the coding strand, the complement: SPTLC2 is on the minus strand). VCF-style: chr14-77616617-G-A. GRCh37 (hg19) VCF-style: chr14-78082960-G-A.
Identifiers: ClinVar variation 388380 (VCV000388380.25), dbSNP rs375977724, ClinGen allele CA7289539.